The following is an entry in ClinVar:

ClinVar aggregate classification (germline): Pathogenic (1 of 4 stars; one submission).

Conditions:
Niemann-Pick disease, type C1. Also called: NEUROVISCERAL STORAGE DISEASE WITH VERTICAL SUPRANUCLEAR OPHTHALMOPLEGIA; NIEMANN-PICK DISEASE WITH CHOLESTEROL ESTERIFICATION BLOCK; NIEMANN-PICK DISEASE WITHOUT SPHINGOMYELINASE DEFICIENCY; NIEMANN-PICK DISEASE, CHRONIC NEURONOPATHIC FORM; NIEMANN-PICK DISEASE, VARIANT TYPE C1. Identifiers: Orphanet 646, MedGen C3179455, MONDO:0009757, OMIM 257220.

Submission:

Labcorp Genetics (formerly Invitae), Labcorp
Classification: Pathogenic for Niemann-Pick disease, type C1. Last evaluated: 2018-11-14. Review status: criteria provided, single submitter. Criteria: Invitae Variant Classification Sherloc (09022015). Collection method: clinical testing. Allele origin: germline.
Comment: This variant is not present in population databases (ExAC no frequency). For these reasons, this variant has been classified as Pathogenic. Loss-of-function variants in NPC1 are known to be pathogenic (PMID: 9211850). This variant has not been reported in the literature in individuals with NPC1-related disease. This sequence change creates a premature translational stop signal (p.Val699Glyfs*30) in the NPC1 gene. It is expected to result in an absent or disrupted protein product.

Literature cited by the submitters: PubMed 9211850.

NM_000271.5(NPC1):c.2096del (p.Val699fs)

Gene: NPC1 (NPC intracellular cholesterol transporter 1; minus strand). Cytogenetic location: 18q11.2.
Variant type: Deletion.
Coding change: c.2096del on transcript NM_000271.5 (MANE Select); coding-DNA position 2096, one base deleted (T; older notation c.2096delT).
Protein change: p.Val699fs; shifts the reading frame from valine 699.
Molecular consequence: frameshift variant.
Genome position (GRCh38, 1-based): chr18:23,544,378, A deleted on the plus strand (T on the coding strand, the reverse complement: NPC1 is on the minus strand). VCF-style (leftmost placement, unchanged base first): chr18-23544377-CA-C. GRCh37 (hg19) VCF-style: chr18-21124341-CA-C.
Other names: short protein forms V699fs.
Identifiers: ClinVar variation 645173 (VCV000645173.6), dbSNP rs1598954455, ClinGen allele CA915952524.